The following is an entry in ClinVar:

ClinVar aggregate classification (germline): Pathogenic/Likely pathogenic. Review status: criteria provided, multiple submitters, no conflicts (2 of 4 stars). 2 submissions from 2 submitters: Pathogenic (1); Likely pathogenic (1). Last evaluated 2025-06-04.

Conditions:
Wilson disease (WND). Also called: Wilson's disease. Identifiers: Orphanet 905, MedGen C0019202, MONDO:0010200, OMIM 277900. Disease mechanism: loss of function.

Submissions (2):

First Genomix Gene Laboratory, Genetic Diagnostics Department
Classification: Likely pathogenic for Wilson disease. Last evaluated: 2025-06-04. Review status: criteria provided, single submitter. Criteria: ACMG Guidelines, 2015. Collection method: clinical testing. Allele origin: germline. Inheritance: Autosomal recessive inheritance. Affected: no.

Labcorp Genetics (formerly Invitae), Labcorp
Classification: Pathogenic for Wilson disease. Last evaluated: 2024-08-20. Review status: criteria provided, single submitter. Criteria: Invitae Variant Classification Sherloc (09022015). Collection method: clinical testing. Allele origin: germline.
Comment: This sequence change creates a premature translational stop signal (p.Glu624Glyfs*123) in the ATP7B gene. It is expected to result in an absent or disrupted protein product. Loss-of-function variants in ATP7B are known to be pathogenic (PMID: 10441329, 16283883). This variant is not present in population databases (gnomAD no frequency). This variant has not been reported in the literature in individuals affected with ATP7B-related conditions. For these reasons, this variant has been classified as Pathogenic.

Literature cited by the submitters: PubMed 10441329 (cited by Labcorp Genetics (formerly Invitae), Labcorp); PubMed 16283883 (cited by Labcorp Genetics (formerly Invitae), Labcorp).

NM_000053.4(ATP7B):c.1871_1893del (p.Glu624fs)

Gene: ATP7B (ATPase copper transporting beta; minus strand). Cytogenetic location: 13q14.3.
Variant type: Deletion.
Coding change: c.1871_1893del on transcript NM_000053.4 (MANE Select); coding-DNA positions 1871 to 1893, 23 bases deleted (AAATTGGCTTTCATGCTTCCCTG).
Protein change: p.Glu624fs; shifts the reading frame from glutamic acid 624.
Molecular consequence: frameshift variant. On other transcripts: intron variant (13).
Genome position (GRCh38, 1-based): chr13:51,961,890-51,961,912, CAGGGAAGCATGAAAGCCAATTT deleted on the plus strand (AAATTGGCTTTCATGCTTCCCTG on the coding strand, the reverse complement: ATP7B is on the minus strand); deleting any 23 consecutive bases within chr13:51,961,890-51,961,913 gives the same sequence; the c. name uses the placement nearest the transcript's 3' end. VCF-style (leftmost placement, unchanged base first): chr13-51961889-CCAGGGAAGCATGAAAGCCAATTT-C. GRCh37 (hg19) VCF-style: chr13-52536025-CCAGGGAAGCATGAAAGCCAATTT-C.
Other names: c.1869+2960_1869+2982del (NM_001005918.3, NM_001406546.1, NM_001406542.1 and 5 more transcripts); c.1773+2960_1773+2982del (NM_001406544.1, NM_001406543.1); c.1775_1797del, p.Glu592fs (NM_001406536.1, NM_001406530.1, NM_001406517.1 and 1 more transcripts); c.1871_1893del, p.Glu624fs (NM_001406537.1, NM_001406538.1, NM_001406534.1 and 16 more transcripts); c.1442_1464del, p.Glu481fs (NM_001406539.1); c.1286-11751_1286-11729del (NM_001406548.1); c.1708-4305_1708-4283del (NM_001406547.1, NM_001406545.1); c.1538_1560del, p.Glu513fs (NM_001243182.2); and 1 more; short protein forms E513fs, E613fs, E624fs, E481fs, E592fs.
Identifiers: ClinVar variation 3658440 (VCV003658440.3).
Genomic context (GRCh38, chr13:51,961,889, plus strand): 5'-CTACCTACTGCTTTATTTCCATCTTGTGGTCCAAGTGATGAGCGTTGGGGTTTCTCTGGG[CCAGGGAAGCATGAAAGCCAATTT>C]CCTTGTCATTAAAAAGAGAGGGGTGGGGAAAAAGGAGGAAGGTACTTGGTTAAAATATGC-3'